The following is an entry in ClinVar:

NM_006231.4(POLE):c.561C>G (p.Tyr187Ter)

Gene: POLE (DNA polymerase epsilon, catalytic subunit; minus strand). Cytogenetic location: 12q24.33.
Variant type: single nucleotide variant.
Coding change: c.561C>G on transcript NM_006231.4 (MANE Select); coding-DNA position 561, C replaced by G.
Protein change: p.Tyr187Ter; replaces tyrosine 187 with a stop codon.
Molecular consequence: nonsense.
Genome position (GRCh38, 1-based): chr12:132,679,514, G>C on the plus strand (C>G on the coding strand, the complement: POLE is on the minus strand). VCF-style: chr12-132679514-G-C. GRCh37 (hg19) VCF-style: chr12-133256100-G-C.
Other names: short protein forms Y187*.
Identifiers: ClinVar variation 1450343 (VCV001450343.6), dbSNP rs143938822, ClinGen allele CA387366696.

ClinVar aggregate classification (germline): Pathogenic (1 of 4 stars; one submission).

Submission:

Labcorp Genetics (formerly Invitae), Labcorp
Classification: Pathogenic. Last evaluated: 2022-05-12. Review status: criteria provided, single submitter. Criteria: Invitae Variant Classification Sherloc (09022015). Collection method: clinical testing. Allele origin: germline.
Comment: This sequence change creates a premature translational stop signal (p.Tyr187*) in the POLE gene. It is expected to result in an absent or disrupted protein product. Loss-of-function variants in POLE are known to be pathogenic (PMID: 23230001, 25948378, 30503519). This variant is not present in population databases (gnomAD no frequency). This variant has not been reported in the literature in individuals affected with POLE-related conditions. For these reasons, this variant has been classified as Pathogenic.

Literature cited by the submitters: PubMed 23230001; PubMed 25948378; PubMed 30503519.